The following is an entry in ClinVar:

ClinVar aggregate classification (germline): Uncertain significance (1 of 4 stars; one submission).

Allele frequency attached by ClinVar (database versions not stated): gnomAD 0.00001; TOPMed 0.00001.
gnomAD v4.1: 3 of 1,614,064 alleles (0.00019%); highest among the groups gnomAD compares: Admixed American, 0.0017%; no homozygotes.

Submission:

Labcorp Genetics (formerly Invitae), Labcorp
Classification: Uncertain significance. Last evaluated: 2021-07-28. Review status: criteria provided, single submitter. Criteria: Invitae Variant Classification Sherloc (09022015). Collection method: clinical testing. Allele origin: germline.
Comment: In summary, the available evidence is currently insufficient to determine the role of this variant in disease. Therefore, it has been classified as a Variant of Uncertain Significance. Algorithms developed to predict the effect of missense changes on protein structure and function are either unavailable or do not agree on the potential impact of this missense change (SIFT: "Tolerated"; PolyPhen-2: "Possibly Damaging"; Align-GVGD: "Class C0"). This variant has not been reported in the literature in individuals affected with ARHGEF10-related conditions. This variant is not present in population databases (ExAC no frequency). This sequence change replaces serine with phenylalanine at codon 173 of the ARHGEF10 protein (p.Ser173Phe). The serine residue is weakly conserved and there is a large physicochemical difference between serine and phenylalanine.

NM_014629.4(ARHGEF10):c.518C>T (p.Ser173Phe)

Gene: ARHGEF10 (Rho guanine nucleotide exchange factor 10; plus strand). Cytogenetic location: 8p23.3.
Variant type: single nucleotide variant.
Coding change: c.518C>T on transcript NM_014629.4 (MANE Select); coding-DNA position 518, C replaced by T.
Protein change: p.Ser173Phe; replaces serine 173 with phenylalanine.
Molecular consequence: missense variant.
Genome position (GRCh38, 1-based): chr8:1,864,409, C>T. VCF-style: chr8-1864409-C-T. GRCh37 (hg19) VCF-style: chr8-1812575-C-T.
Other names: c.521C>T, p.Ser174Phe (NM_001308152.2, NM_001308153.3); short protein forms S173F, S198F, S174F.
Identifiers: ClinVar variation 1516625 (VCV001516625.8), dbSNP rs1367538699, ClinGen allele CA369956754.